The following is an entry in ClinVar:

NM_001042492.3(NF1):c.945G>C (p.Gln315His)

Gene: NF1 (neurofibromin 1; plus strand). Cytogenetic location: 17q11.2.
Variant type: single nucleotide variant.
Coding change: c.945G>C on transcript NM_001042492.3 (MANE Select); coding-DNA position 945, G replaced by C.
Protein change: p.Gln315His; replaces glutamine 315 with histidine.
Molecular consequence: missense variant.
Genome position (GRCh38, 1-based): chr17:31,200,478, G>C. VCF-style: chr17-31200478-G-C. GRCh37 (hg19) VCF-style: chr17-29527496-G-C.
Other names: c.945G>C, p.Gln315His (NM_000267.4, NM_001128147.3); short protein forms Q315H.
Identifiers: ClinVar variation 1767038 (VCV001767038.2), dbSNP rs2066506934, ClinGen allele CA398995795.
Genomic context (GRCh38, chr17:31,200,478, plus strand): 5'-GTAGAAGTTATTTCTGGACAGTCTACGAAAAGCTCTTGCTGGCCATGGAGGAAGTAGGCA[G>C]CTGACAGAAAGTGCTGCAATTGCCTGTGTCAAACTGTGTAAAGCAAGTACTTACATCAAT-3'
Protein context (NP_001035957.1, residues 305-325): KALAGHGGSR[Gln315His]LTESAAIACV

ClinVar aggregate classification (germline): Uncertain significance (1 of 4 stars; one submission).

Conditions:
Cardiovascular phenotype. Identifiers: MedGen CN230736.
Hereditary cancer-predisposing syndrome. Also called: Hereditary Cancer Syndrome; Hereditary neoplastic syndrome; Neoplastic Syndromes, Hereditary; Tumor predisposition. Identifiers: Orphanet 140162, MedGen C0027672, MeSH D009386, MONDO:0015356.

Submission:

Ambry Genetics
Classification: Uncertain significance for Cardiovascular phenotype; Hereditary cancer-predisposing syndrome. Last evaluated: 2023-05-18. Review status: criteria provided, single submitter. Criteria: Ambry Variant Classification Scheme 2023. Collection method: clinical testing. Allele origin: germline.
Comment: The p.Q315H variant (also known as c.945G>C), located in coding exon 9 of the NF1 gene, results from a G to C substitution at nucleotide position 945. The glutamine at codon 315 is replaced by histidine, an amino acid with highly similar properties. One functional study, which evaluated the splicing impact of alterations in exon 9 of NF1 using a mini-gene approach, found that this alteration did not significantly reduce exon 9 inclusion (Hern&aacute;ndez-Imaz E et al. PLoS ONE, 2015 Oct;10:e0141735). This amino acid position is highly conserved in available vertebrate species. In addition, this alteration is predicted to be tolerated by in silico analysis. Since supporting evidence is limited at this time, the clinical significance of this alteration remains unclear.